The following is an entry in ClinVar:

NM_000883.4(IMPDH1):c.956C>T (p.Pro319Leu)

Gene: IMPDH1 (inosine monophosphate dehydrogenase 1; minus strand). Cytogenetic location: 7q32.1.
Variant type: single nucleotide variant.
Coding change: c.956C>T on transcript NM_000883.4 (MANE Select); coding-DNA position 956, C replaced by T.
Protein change: p.Pro319Leu; replaces proline 319 with leucine.
Molecular consequence: missense variant.
Genome position (GRCh38, 1-based): chr7:128,398,532, G>A on the plus strand (C>T on the coding strand, the complement: IMPDH1 is on the minus strand). VCF-style: chr7-128398532-G-A. GRCh37 (hg19) VCF-style: chr7-128038586-G-A.
Other names: c.926C>T, p.Pro309Leu (NM_001102605.2); c.701C>T, p.Pro234Leu (NM_001142573.2); c.686C>T, p.Pro229Leu (NM_001142574.2); c.626C>T, p.Pro209Leu (NM_001142575.2); c.857C>T, p.Pro286Leu (NM_001142576.2); c.749C>T, p.Pro250Leu (NM_001304521.2); c.848C>T, p.Pro283Leu (NM_183243.3); short protein forms P209L, P229L, P283L, P234L, P250L, P286L, P309L, P319L.
Identifiers: ClinVar variation 963973 (VCV000963973.9), dbSNP rs1798087958, ClinGen allele CA369169134.

ClinVar aggregate classification (germline): Uncertain significance (1 of 4 stars; one submission).

Allele frequency attached by ClinVar (database versions not stated): gnomAD 0.00001.
gnomAD v4.1: 1 of 1,613,652 alleles (0.000062%); highest among the groups gnomAD compares: Admixed American, 0.0017%; no homozygotes.

Submission:

Labcorp Genetics (formerly Invitae), Labcorp
Classification: Uncertain significance. Last evaluated: 2019-11-05. Review status: criteria provided, single submitter. Criteria: Invitae Variant Classification Sherloc (09022015). Collection method: clinical testing. Allele origin: germline.
Comment: This sequence change replaces proline with leucine at codon 319 of the IMPDH1 protein (p.Pro319Leu). The proline residue is highly conserved and there is a moderate physicochemical difference between proline and leucine. This variant is not present in population databases (ExAC no frequency). This variant has not been reported in the literature in individuals with IMPDH1-related conditions. Algorithms developed to predict the effect of missense changes on protein structure and function (SIFT, PolyPhen-2, Align-GVGD) all suggest that this variant is likely to be disruptive, but these predictions have not been confirmed by published functional studies and their clinical significance is uncertain. In summary, the available evidence is currently insufficient to determine the role of this variant in disease. Therefore, it has been classified as a Variant of Uncertain Significance.